The following is an entry in ClinVar:

NM_000094.4(COL7A1):c.4705G>A (p.Gly1569Arg)

Gene: COL7A1 (collagen type VII alpha 1 chain; minus strand). Cytogenetic location: 3p21.31.
Variant type: single nucleotide variant.
Coding change: c.4705G>A on transcript NM_000094.4 (MANE Select); coding-DNA position 4705, G replaced by A.
Protein change: p.Gly1569Arg; replaces glycine 1569 with arginine.
Molecular consequence: missense variant.
Genome position (GRCh38, 1-based): chr3:48,581,723, C>T on the plus strand (G>A on the coding strand, the complement: COL7A1 is on the minus strand). VCF-style: chr3-48581723-C-T. GRCh37 (hg19) VCF-style: chr3-48619156-C-T.
Other names: short protein forms G1569R.
Identifiers: ClinVar variation 2098202 (VCV002098202.10), dbSNP rs989893662, ClinGen allele CA73979493.

ClinVar aggregate classification (germline): Likely pathogenic. Review status: criteria provided, multiple submitters, no conflicts (2 of 4 stars). 4 submissions from 4 submitters: Likely pathogenic (4). Last evaluated 2026-01-15.

Conditions:
Epidermolysis bullosa dystrophica. Also called: Dystrophic epidermolysis bullosa, Hallopeau-Siemens type (formerly); Dystrophic epidermolysis bullosa. Identifiers: Orphanet 303, MedGen C0079294, MONDO:0006543.
Recessive dystrophic epidermolysis bullosa (RDEB). Also called: DYSTROPHIC EPIDERMOLYSIS BULLOSA, AUTOSOMAL RECESSIVE; EPIDERMOLYSIS BULLOSA DYSTROPHICA, HALLOPEAU-SIEMENS TYPE; Hallopeau-Siemens Disease; severe generalized recessive dystrophic epidermolysis bullosa; Epidermolysis Bullosa Distrophica Autosomal Recessive (RDEB); EPIDERMOLYSIS BULLOSA DYSTROPHICA, GENERALIZED SEVERE, AUTOSOMAL RECESSIVE. Identifiers: Orphanet 79408, Orphanet 79409, MedGen C0079474, MONDO:0009179, OMIM 226600.
Nonsyndromic congenital nail disorder 8. Also called: TOENAIL DYSTROPHY, ISOLATED. Identifiers: MedGen C1843761, MONDO:0011852, OMIM 607523.
Dominant dystrophic epidermolysis bullosa with absence of skin. Also called: EPIDERMOLYSIS BULLOSA WITH CONGENITAL LOCALIZED ABSENCE OF SKIN AND DEFORMITY OF NAILS; EPIDERMOLYSIS BULLOSA DYSTROPHICA, BART TYPE. Identifiers: MedGen C0268371, MONDO:0007557, OMIM 132000.
Pretibial dystrophic epidermolysis bullosa. Also called: EPIDERMOLYSIS BULLOSA DYSTROPHICA, PRETIBIAL; Pretibial epidermolysis bullosa; Pretibial blistering. Identifiers: Orphanet 79410, MedGen C0432321, MONDO:0007552, OMIM 131850, HP:0012221.
Transient bullous dermolysis of the newborn (TBDN). Also called: DYSTROPHIC EPIDERMOLYSIS BULLOSA, NEONATAL; EPIDERMOLYSIS BULLOSA DYSTROPHICA, NEONATAL FORM. Identifiers: Orphanet 79411, MedGen C1851573, MONDO:0007548, OMIM 131705.
Epidermolysis bullosa pruriginosa. Also called: DEB, PRURIGINOSA; DYSTROPHIC EPIDERMOLYSIS BULLOSA PRURIGINOSA. Identifiers: Orphanet 89843, MedGen C1275114, MONDO:0011398, OMIM 604129.
Generalized dominant dystrophic epidermolysis bullosa (DDEB). Also called: DDEB, generalized; DDEB-gen; DYSTROPHIC EPIDERMOLYSIS BULLOSA, AUTOSOMAL DOMINANT; Epidermolysis bullosa dystrophica, autosomal dominant; Dominant DEB (DDEB). Identifiers: Orphanet 231568, MedGen C0432322, MONDO:0007549, OMIM 131750.

Allele frequency attached by ClinVar (database versions not stated): gnomAD exomes 0.00001.
gnomAD v4.1: 11 of 1,614,074 alleles (0.00068%); highest among the groups gnomAD compares: Non-Finnish European, 0.00068%; no homozygotes.

Submissions (4):

Women's Health and Genetics/Laboratory Corporation of America, LabCorp
Classification: Likely pathogenic for Recessive dystrophic epidermolysis bullosa. Last evaluated: 2026-01-15. Review status: criteria provided, single submitter. Criteria: LabCorp Variant Classification Summary - May 2015. Collection method: clinical testing. Allele origin: germline.
Comment: Variant summary: COL7A1 c.4705G>A (p.Gly1569Arg) results in a non-conservative amino acid change in the encoded protein sequence. Algorithms developed to predict the effect of missense changes on protein structure and function all suggest that this variant is likely to be disruptive. This variant disrupts the triple helix domain of COL7A1. Glycine residues within the Gly-Xaa-Yaa repeats of the triple helix domain are required for the structure and stability of fibrillar collagens (PMID: 7695699, 8218237, 19344236).The variant was absent in 251420 control chromosomes. c.4705G>A has been observed in the heterozygous or presumed compound heterozygous state in multiple individual(s) affected with clinical features of autosomal dominant or autosomal recessive Dystrophic Epidermolysis Bullosa (example, Chen_2023, Bishnoi_2021), however an inheritance pattern could not be defined overall. These data indicate that the variant may be associated with disease. At least one publication reports experimental evidence evaluating an impact on protein function, however, does not allow convincing conclusions about the variant effect (Bishnoi_2021). The following publications have been ascertained in the context of this evaluation (PMID: 32694622, 27149842, 33258232, 36287101, 32978145). ClinVar contains an entry for this variant (Variation ID: 2098202). Based on the evidence outlined above, the variant was classified as likely pathogenic.

Natera, Inc.
Classification: Likely pathogenic for Dystrophic epidermolysis bullosa. Last evaluated: 2025-09-22. Review status: criteria provided, single submitter. Criteria: Natera Variant Classification Schema (03/2026). Collection method: clinical testing. Allele origin: germline.
Comment: The c.4705G>A variant in COL7A1 is a missense variant predicted to cause substitution of glycine to arginine at amino acid 1569. This variant is rare in the general population with a frequency below the threshold expected for the associated phenotype(s). This variant has been observed in one or more individuals affected with the associated recessive disease, as either homozygous or compound heterozygous with a second variant (PMID: 36287101). This variant has been observed in affected individual(s) with monoallelic occurrence (heterozygous/hemizygous) (PMID: 33258232). This variant has been identified in one or more affected individual with a phenotype highly consistent with the associated gene (PMID: 33258232). Computational prediction algorithms indicate this variant is likely to affect gene or protein function. Given the available evidence, this variant is classified as Likely Pathogenic.

Fulgent Genetics
Classification: Likely pathogenic for Transient bullous dermolysis of the newborn; Generalized dominant dystrophic epidermolysis bullosa; Pretibial dystrophic epidermolysis bullosa; Dominant dystrophic epidermolysis bullosa with absence of skin; Recessive dystrophic epidermolysis bullosa; Epidermolysis bullosa pruriginosa; Nonsyndromic congenital nail disorder 8. Last evaluated: 2024-06-11. Review status: criteria provided, single submitter. Criteria: ACMG Guidelines, 2015. Collection method: clinical testing. Allele origin: germline.

Labcorp Genetics (formerly Invitae), Labcorp
Classification: Likely pathogenic. Last evaluated: 2022-08-06. Review status: criteria provided, single submitter. Criteria: Invitae Variant Classification Sherloc (09022015). Collection method: clinical testing. Allele origin: germline.
Comment: This variant disrupts the triple helix domain of COL7A1. Glycine residues within the Gly-Xaa-Yaa repeats of the triple helix domain are required for the structure and stability of fibrillar collagens (PMID: 7695699, 8218237, 19344236), and variants at these glycine residues in COL7A1 are more frequently observed in individuals with disease than in the general population (PMID: 22058051). However, the clinical significance of this observation remains uncertain since only a limited number of affected individuals have been described to date. Advanced modeling of protein sequence and biophysical properties (such as structural, functional, and spatial information, amino acid conservation, physicochemical variation, residue mobility, and thermodynamic stability) performed at Invitae indicates that this missense variant is expected to disrupt COL7A1 protein function. This missense change has been observed in individual(s) with clinical features of autosomal dominant epidermolysis bullosa (PMID: 33258232). This variant is not present in population databases (gnomAD no frequency). This sequence change replaces glycine, which is neutral and non-polar, with arginine, which is basic and polar, at codon 1569 of the COL7A1 protein (p.Gly1569Arg). In summary, the currently available evidence indicates that the variant is pathogenic, but additional data are needed to prove that conclusively. Therefore, this variant has been classified as Likely Pathogenic.

Literature cited by the submitters: PubMed 27149842 (cited by Women's Health and Genetics/Laboratory Corporation of America, LabCorp); PubMed 32978145 (cited by Women's Health and Genetics/Laboratory Corporation of America, LabCorp); PubMed 36287101 (cited by Women's Health and Genetics/Laboratory Corporation of America, LabCorp and Natera, Inc.); PubMed 33258232 (cited by 3 submitters); PubMed 32694622 (cited by Women's Health and Genetics/Laboratory Corporation of America, LabCorp); PubMed 7695699 (cited by Labcorp Genetics (formerly Invitae), Labcorp); PubMed 8218237 (cited by Labcorp Genetics (formerly Invitae), Labcorp); PubMed 19344236 (cited by Labcorp Genetics (formerly Invitae), Labcorp); PubMed 22058051 (cited by Labcorp Genetics (formerly Invitae), Labcorp).